The following is an entry in ClinVar:

NM_005215.4(DCC):c.2216_2217dup (p.Cys740fs)

Gene: DCC (DCC netrin 1 receptor; plus strand). Cytogenetic location: 18q21.2.
Variant type: Duplication.
Coding change: c.2216_2217dup on transcript NM_005215.4 (MANE Select); coding-DNA positions 2216 to 2217, 2 bases duplicated (AC; older notation c.2216_2217dupAC).
Protein change: p.Cys740fs; shifts the reading frame from cysteine 740.
Molecular consequence: frameshift variant.
Genome position (GRCh38, 1-based): chr18:53,339,764-53,339,765, AC duplicated. VCF-style (leftmost placement, unchanged base first): chr18-53339763-A-AAC. GRCh37 (hg19) VCF-style: chr18-50866133-A-AAC.
Other names: short protein forms C740fs.
Identifiers: ClinVar variation 3600486 (VCV003600486.1).

ClinVar aggregate classification (germline): Likely pathogenic (1 of 4 stars; one submission).

Conditions:
Mirror movements 1 (MRMV1). Identifiers: Orphanet 238722, MedGen C1834870, OMIM 157600, MONDO:0008002.

Submission:

Clinical Genomics Laboratory, Washington University in St. Louis
Classification: Likely pathogenic for Mirror movements 1. Last evaluated: 2024-07-15. Review status: criteria provided, single submitter. Criteria: ACMG Guidelines, 2015. Collection method: clinical testing. Allele origin: germline. Affected: yes.
Comment: The DCC c.2216_2217dup (p.Cys740Thrfs*5) variant, to our knowledge, has not been reported in the medical literature. This variant is absent from the general population (gnomAD v.2.1.1), indicating it is not a common variant. This variant causes a frameshift by duplicating one nucleotide, leading to a premature termination codon and is predicted to result in loss of function by premature protein truncation or nonsense mediated decay. Based on available information and the ACMG/AMP guidelines for variant interpretation (Richards S et al., PMID: 25741868), this variant is classified as likely pathogenic.